The following is an entry in ClinVar:

NM_017780.4(CHD7):c.1535C>T (p.Pro512Leu)

Gene: CHD7 (chromodomain helicase DNA binding protein 7; plus strand). Cytogenetic location: 8q12.2.
Variant type: single nucleotide variant.
Coding change: c.1535C>T on transcript NM_017780.4 (MANE Select); coding-DNA position 1535, C replaced by T.
Protein change: p.Pro512Leu; replaces proline 512 with leucine.
Molecular consequence: missense variant.
Genome position (GRCh38, 1-based): chr8:60,742,967, C>T. VCF-style: chr8-60742967-C-T. GRCh37 (hg19) VCF-style: chr8-61655526-C-T.
Other names: c.1535C>T, p.Pro512Leu (NM_001316690.1); short protein forms P512L.
Identifiers: ClinVar variation 1312534 (VCV001312534.2), dbSNP rs2150581214, ClinGen allele CA371303343.

ClinVar aggregate classification (germline): Uncertain significance (1 of 4 stars; one submission).

Submission:

GeneDx
Classification: Uncertain significance. Last evaluated: 2020-02-27. Review status: criteria provided, single submitter. Criteria: GeneDx Variant Classification Process June 2021. Collection method: clinical testing. Allele origin: germline. Affected: yes.
Comment: Not observed in large population cohorts (Lek et al., 2016); In silico analysis supports that this missense variant does not alter protein structure/function; Has not been previously published as pathogenic or benign to our knowledge